The following is an entry in ClinVar:

ClinVar aggregate classification (germline): Benign. Review status: reviewed by expert panel (3 of 4 stars). 5 submissions from 5 submitters: Benign (1). 4 of the submissions do not count toward it. Last evaluated 2023-07-25.

Conditions:
Hereditary antithrombin deficiency (AT3D). Also called: Reduced antithrombin III activity; Antithrombin deficiency; Antithrombin III deficiency; Thrombophilia due to antithrombin III deficiency. Identifiers: Orphanet 82, MedGen C0272375, MONDO:0013144, OMIM 613118, HP:0001976.

Allele frequency attached by ClinVar (database versions not stated): gnomAD 0.00001; TOPMed 0.00005; gnomAD exomes 0.00049; 1000 Genomes Project 30x 0.00141; 1000 Genomes Project 0.00160.
gnomAD v4.1: 761 of 1,614,176 alleles (0.047%); highest among the groups gnomAD compares: South Asian, 0.79%; 11 homozygotes.

Submissions (5):

Clingen Thrombosis Variant Curation Expert Panel, ClinGen
Classification: Benign for Hereditary antithrombin deficiency. Last evaluated: 2023-07-25. Review status: reviewed by expert panel. Criteria: ClinGen ACMG Specifications SERPINC1 V1.0.0. Collection method: curation. Allele origin: germline. Inheritance: Autosomal dominant inheritance.
Comment: The c.914C>A (NM_000488.3) variant in SERPINC1 is a missense variant predicted to cause substitution of proline by histidine at amino acid 305 (p.Pro305His). The highest population minor allele frequency in gnomAD v2.1.1 is 0.008133 (249/30616 alleles) in the South Asian population, which is higher than the ClinGen SERPINC1 threshold ([>0.002]) for BA1, and therefore meets this criterion (BA1). This variant has been observed in nine individuals, of Indian heritage, with normal normal antithrombin levels, five of which showed normal levels with repeat testing (BS2; PMID: 27161325). In summary, this variant meets criteria to be classified as benign. ACMG/AMP criteria applied, as specified by the Thrombosis Variant Curation Expert Panel for SERPINC1: BA1, BS2.

Labcorp Genetics (formerly Invitae), Labcorp
Classification: Benign for Hereditary antithrombin deficiency. Last evaluated: 2026-01-05. Review status: criteria provided, single submitter. Criteria: Invitae Variant Classification Sherloc (09022015). Collection method: clinical testing. Allele origin: germline. Not counted in ClinVar's aggregate classification.

Blueprint Genetics
Classification: Likely benign. Last evaluated: 2024-09-13. Review status: criteria provided, single submitter. Criteria: ACMG Guidelines, 2015. Collection method: clinical testing. Allele origin: germline. Not counted in ClinVar's aggregate classification.

Eurofins Ntd Llc (ga)
Classification: Likely benign. Last evaluated: 2018-05-22. Review status: criteria provided, single submitter. Criteria: EGL ClinVar v180209 classification definitions. Collection method: clinical testing. Allele origin: germline. Observed: 1 variant allele, 1 heterozygote. Not counted in ClinVar's aggregate classification.

Illumina Laboratory Services, Illumina
Classification: Benign for Hereditary antithrombin deficiency. Last evaluated: 2017-04-28. Review status: criteria provided, single submitter. Criteria: ICSL Variant Classification Criteria 13 December 2019. Collection method: clinical testing. Allele origin: germline. Not counted in ClinVar's aggregate classification.
Comment: This variant was observed as part of a predisposition screen in an ostensibly healthy population. A literature search was performed for the gene, cDNA change, and amino acid change (where applicable). No publications were found based on this search. Allele frequency data from public databases was too high to be consistent with this variant causing disease. Therefore, this variant is classified as benign.

NM_000488.4(SERPINC1):c.914C>A (p.Pro305His)

Gene: SERPINC1 (serpin family C member 1; minus strand). Cytogenetic location: 1q25.1.
Variant type: single nucleotide variant.
Coding change: c.914C>A on transcript NM_000488.4 (MANE Select); coding-DNA position 914, C replaced by A.
Protein change: p.Pro305His; replaces proline 305 with histidine.
Molecular consequence: missense variant.
Genome position (GRCh38, 1-based): chr1:173,909,791, G>T on the plus strand (C>A on the coding strand, the complement: SERPINC1 is on the minus strand). VCF-style: chr1-173909791-G-T. GRCh37 (hg19) VCF-style: chr1-173878929-G-T.
Other names: NM_000488.3(SERPINC1):c.914C>A; p.Pro305His; c.770C>A, p.Pro257His (NM_001365052.2); c.1037C>A, p.Pro346His (NM_001386302.1); c.995C>A, p.Pro332His (NM_001386303.1); c.893C>A, p.Pro298His (NM_001386304.1); c.857C>A, p.Pro286His (NM_001386305.1); c.698C>A, p.Pro233His (NM_001386306.1); short protein forms P305H, P257H, P233H, P286H, P298H, P332H, P346H.
Identifiers: ClinVar variation 597303 (VCV000597303.20), dbSNP rs549991084, ClinGen allele CA1251311.
Genomic context (GRCh38, chr1:173,909,791, plus strand): 5'-GCCAGGCTCTTCTCAGGCTTGGGCAAGATGAGGACCATGGTGATGTCATCACCTTTGAAG[G>T]GCAACTCAAGCACCTGGGTGCCTTCAGCCACGCGCCGATAACGGAACTTGCCTTCCTGGT-3'
Protein context (NP_000479.1, residues 295-315): VAEGTQVLEL[Pro305His]FKGDDITMVL